The following is an entry in ClinVar:

NM_198578.4(LRRK2):c.5270A>G (p.Asn1757Ser)

Gene: LRRK2 (leucine rich repeat kinase 2; plus strand). Cytogenetic location: 12q12.
Variant type: single nucleotide variant.
Coding change: c.5270A>G on transcript NM_198578.4 (MANE Select); coding-DNA position 5270, A replaced by G.
Protein change: p.Asn1757Ser; replaces asparagine 1757 with serine.
Molecular consequence: missense variant.
Genome position (GRCh38, 1-based): chr12:40,322,134, A>G. VCF-style: chr12-40322134-A-G. GRCh37 (hg19) VCF-style: chr12-40715936-A-G.
Other names: short protein forms N1757S.
Identifiers: ClinVar variation 308638 (VCV000308638.9), dbSNP rs368762897, ClinGen allele CA6514405.

ClinVar aggregate classification (germline): Uncertain significance. Review status: criteria provided, multiple submitters, no conflicts (2 of 4 stars). 4 submissions from 4 submitters: Uncertain significance (4). Last evaluated 2024-10-06.

Conditions:
Autosomal dominant Parkinson disease 8. Also called: LRRK2-Related Parkinson Disease; Parkinson disease 8; Parkinson disease 8, susceptibility to. Identifiers: Orphanet 411602, MedGen C1846862, MONDO:0011764, OMIM 607060.
Inborn genetic diseases. Identifiers: MedGen C0950123, MeSH D030342.

Allele frequency attached by ClinVar (database versions not stated): gnomAD exomes below 0.00001 and 0.00003; ExAC 0.00001; TOPMed 0.00002; gnomAD 0.00004; ESP Exome Variant Server 0.00008.
gnomAD v4.1: 58 of 1,613,046 alleles (0.0036%); highest among the groups gnomAD compares: African/African-American, 0.008%; no homozygotes.

Submissions (4):

Labcorp Genetics (formerly Invitae), Labcorp
Classification: Uncertain significance for Autosomal dominant Parkinson disease 8. Last evaluated: 2024-10-06. Review status: criteria provided, single submitter. Criteria: Invitae Variant Classification Sherloc (09022015). Collection method: clinical testing. Allele origin: germline.
Comment: This sequence change replaces asparagine, which is neutral and polar, with serine, which is neutral and polar, at codon 1757 of the LRRK2 protein (p.Asn1757Ser). This variant is present in population databases (rs368762897, gnomAD 0.02%). This variant has not been reported in the literature in individuals affected with LRRK2-related conditions. ClinVar contains an entry for this variant (Variation ID: 308638). Invitae Evidence Modeling of protein sequence and biophysical properties (such as structural, functional, and spatial information, amino acid conservation, physicochemical variation, residue mobility, and thermodynamic stability) indicates that this missense variant is not expected to disrupt LRRK2 protein function with a negative predictive value of 80%. In summary, the available evidence is currently insufficient to determine the role of this variant in disease. Therefore, it has been classified as a Variant of Uncertain Significance.

Ambry Genetics
Classification: Uncertain significance for Inborn genetic diseases. Last evaluated: 2024-09-30. Review status: criteria provided, single submitter. Criteria: Ambry Variant Classification Scheme 2023. Collection method: clinical testing. Allele origin: germline.

Department of Pathology and Laboratory Medicine, Sinai Health System
Classification: Uncertain significance for Autosomal dominant Parkinson disease 8. Last evaluated: 2021-11-24. Review status: criteria provided, single submitter. Criteria: ACMG Guidelines, 2015. Collection method: research. Allele origin: germline.

Illumina Laboratory Services, Illumina
Classification: Uncertain significance for Autosomal dominant Parkinson disease 8. Last evaluated: 2018-01-12. Review status: criteria provided, single submitter. Criteria: ICSL Variant Classification Criteria 13 December 2019. Collection method: clinical testing. Allele origin: germline.